The following is an entry in ClinVar:

NC_000023.10:g.(?_32459277)_(32584018_?)del

Gene: DMD (dystrophin; minus strand). Cytogenetic location: Xp21.1.
Variant type: Deletion.
Identifiers: ClinVar variation 3244915 (VCV003244915.1).

ClinVar aggregate classification (germline): Pathogenic (1 of 4 stars; one submission).

Conditions:
Duchenne muscular dystrophy (DMD). Also called: MUSCULAR DYSTROPHY, PSEUDOHYPERTROPHIC PROGRESSIVE, DUCHENNE TYPE; Duchenne Muscular Dystrophy (DMD). Identifiers: Orphanet 98896, MedGen C0013264, MONDO:0010679, OMIM 310200.

Submission:

Labcorp Genetics (formerly Invitae), Labcorp
Classification: Pathogenic for Duchenne muscular dystrophy. Last evaluated: 2023-06-02. Review status: criteria provided, single submitter. Criteria: Invitae Variant Classification Sherloc (09022015). Collection method: clinical testing. Allele origin: unknown.
Comment: For these reasons, this variant has been classified as Pathogenic. This variant disrupts a region of the DMD protein in which other variant(s) (p.Gln957Pro) have been determined to be pathogenic (Invitae). This suggests that this is a clinically significant region of the protein, and that variants that disrupt it are likely to be disease-causing. This variant has not been reported in the literature in individuals affected with DMD-related conditions. This variant is a gross deletion of the genomic region encompassing exon(s) 16-28 of the DMD gene. This variant would be expected to be in-frame, preserving the integrity of the reading frame.